The following is an entry in ClinVar:

NM_004859.4(CLTC):c.3601-9T>G

Gene: CLTC (clathrin heavy chain; plus strand). Cytogenetic location: 17q23.1.
Variant type: single nucleotide variant.
Coding change: c.3601-9T>G on transcript NM_004859.4 (MANE Select); 9 bases into the intron before coding-DNA position 3601, T replaced by G.
Molecular consequence: intron variant.
Genome position (GRCh38, 1-based): chr17:59,682,620, T>G. VCF-style: chr17-59682620-T-G. GRCh37 (hg19) VCF-style: chr17-57759981-T-G.
Other names: c.3613-9T>G (NM_001288653.2, NM_001288653.1).
Identifiers: ClinVar variation 1591759 (VCV001591759.9), dbSNP rs768618316, ClinGen allele CA8681632.

ClinVar aggregate classification (germline): Benign/Likely benign. Review status: criteria provided, multiple submitters, no conflicts (2 of 4 stars). 2 submissions from 2 submitters: Benign (1); Likely benign (1). Last evaluated 2025-12-05.

Conditions:
CLTC-related disorder. Also called: CLTC-related condition.

Allele frequency attached by ClinVar (database versions not stated): ExAC 0.00002; gnomAD exomes 0.00006 and 0.00012; TOPMed 0.00023; gnomAD 0.00029 and 0.00030.
gnomAD v4.1: 78 of 1,612,932 alleles (0.0048%); highest among the groups gnomAD compares: Admixed American, 0.13%; no homozygotes.

Submissions (2):

Labcorp Genetics (formerly Invitae), Labcorp
Classification: Benign. Last evaluated: 2025-12-05. Review status: criteria provided, single submitter. Criteria: Invitae Variant Classification Sherloc (09022015). Collection method: clinical testing. Allele origin: germline.

PreventionGenetics, part of Exact Sciences
Classification: Likely benign for CLTC-related condition. Last evaluated: 2024-12-16. Review status: criteria provided, single submitter. Criteria: ACMG Guidelines, 2015. Collection method: clinical testing. Allele origin: germline.
Comment: This variant is classified as likely benign based on ACMG/AMP sequence variant interpretation guidelines (Richards et al. 2015 PMID: 25741868, with internal and published modifications).